The following is an entry in ClinVar:

ClinVar aggregate classification (germline): Uncertain significance (1 of 4 stars; one submission).

Conditions:
Hereditary cancer-predisposing syndrome. Also called: Neoplastic Syndromes, Hereditary; Tumor predisposition; Hereditary neoplastic syndrome; Hereditary Cancer Syndrome. Identifiers: Orphanet 140162, MedGen C0027672, MeSH D009386, MONDO:0015356.

Submission:

Ambry Genetics
Classification: Uncertain significance for Hereditary cancer-predisposing syndrome. Last evaluated: 2024-02-20. Review status: criteria provided, single submitter. Criteria: Ambry Variant Classification Scheme 2023. Collection method: clinical testing. Allele origin: germline.
Comment: The p.S609R variant (also known as c.1827C>G), located in coding exon 5 of the MET gene, results from a C to G substitution at nucleotide position 1827. The serine at codon 609 is replaced by arginine, an amino acid with dissimilar properties. This amino acid position is conserved. In addition, this alteration is predicted to be tolerated by in silico analysis. Based on the available evidence, the clinical significance of this alteration remains unclear.

NM_000245.4(MET):c.1827C>G (p.Ser609Arg)

Gene: MET (MET proto-oncogene, receptor tyrosine kinase; plus strand). Cytogenetic location: 7q31.2.
Variant type: single nucleotide variant.
Coding change: c.1827C>G on transcript NM_000245.4 (MANE Select); coding-DNA position 1827, C replaced by G.
Protein change: p.Ser609Arg; replaces serine 609 with arginine.
Molecular consequence: missense variant.
Genome position (GRCh38, 1-based): chr7:116,755,480, C>G. VCF-style: chr7-116755480-C-G. GRCh37 (hg19) VCF-style: chr7-116395534-C-G.
Other names: c.1827C>G, p.Ser609Arg (NM_001127500.3, NM_001324401.3); c.537C>G, p.Ser179Arg (NM_001324402.2); short protein forms S179R, S609R.
Identifiers: ClinVar variation 3232917 (VCV003232917.1), dbSNP rs2116910568, ClinGen allele CA368978166.
Genomic context (GRCh38, chr7:116,755,480, plus strand): 5'-ATTTCGGAGGAATAATAAATTTGATTTAAAGAAAACTAGAGTTCTCCTTGGAAATGAGAG[C>G]TGCACCTTGACTTTAAGTGAGAGCACGATGAATACGTAAGGATCTTAAAATGCTTTGCTG-3'
Protein context (NP_000236.2, residues 599-619): KKTRVLLGNE[Ser609Arg]CTLTLSESTM